The following is an entry in ClinVar:

ClinVar aggregate classification (germline): Uncertain significance (1 of 4 stars; one submission).

Conditions:
Gorlin syndrome. Also called: Nevoid Basal Cell Carcinoma Syndrome; Basal cell nevus syndrome. Identifiers: Orphanet 377, MedGen C0004779, MONDO:0007187.

Submission:

Labcorp Genetics (formerly Invitae), Labcorp
Classification: Uncertain significance for Gorlin syndrome. Last evaluated: 2025-10-27. Review status: criteria provided, single submitter. Criteria: Invitae Variant Classification Sherloc (09022015). Collection method: clinical testing. Allele origin: germline.
Comment: This sequence change replaces proline, which is neutral and non-polar, with leucine, which is neutral and non-polar, at codon 1182 of the PTCH1 protein (p.Pro1182Leu). This variant is not present in population databases (gnomAD no frequency). This variant has not been reported in the literature in individuals affected with PTCH1-related conditions. Invitae Evidence Modeling of protein sequence and biophysical properties (such as structural, functional, and spatial information, amino acid conservation, physicochemical variation, residue mobility, and thermodynamic stability) has been performed for this missense variant. However, the output from this modeling did not meet the statistical confidence thresholds required to predict the impact of this variant on PTCH1 protein function. In summary, the available evidence is currently insufficient to determine the role of this variant in disease. Therefore, it has been classified as a Variant of Uncertain Significance.

NM_000264.5(PTCH1):c.3545C>T (p.Pro1182Leu)

Gene: PTCH1 (patched 1; minus strand). Cytogenetic location: 9q22.32.
Variant type: single nucleotide variant.
Coding change: c.3545C>T on transcript NM_000264.5 (MANE Select); coding-DNA position 3545, C replaced by T.
Protein change: p.Pro1182Leu; replaces proline 1182 with leucine.
Molecular consequence: missense variant. On other transcripts: non-coding transcript variant (1).
Genome position (GRCh38, 1-based): chr9:95,449,845, G>A on the plus strand (C>T on the coding strand, the complement: PTCH1 is on the minus strand). VCF-style: chr9-95449845-G-A. GRCh37 (hg19) VCF-style: chr9-98212127-G-A.
Other names: c.3347C>T, p.Pro1116Leu (NM_001083602.3); c.3542C>T, p.Pro1181Leu (NM_001083603.3); c.3092C>T, p.Pro1031Leu (NM_001083604.3, NM_001083605.3, NM_001083606.3 and 1 more transcripts); c.3389C>T, p.Pro1130Leu (NM_001354918.2); short protein forms P1130L, P1031L, P1116L, P1182L, P1181L.
Identifiers: ClinVar variation 4775106 (VCV004775106.1).